The following is an entry in ClinVar:

ClinVar aggregate classification (germline): Conflicting classifications of pathogenicity. Review status: criteria provided, conflicting classifications (1 of 4 stars). 2 submissions from 2 submitters: Uncertain significance (1); Likely benign (1). Last evaluated 2025-10-10.

Conditions:
Inborn genetic diseases. Identifiers: MedGen C0950123, MeSH D030342.

Allele frequency attached by ClinVar (database versions not stated): 1000 Genomes Project 30x 0.00016; ExAC 0.00001.
gnomAD v4.1: 22 of 1,613,772 alleles (0.0014%); highest among the groups gnomAD compares: East Asian, 0.0089%; no homozygotes.

Submissions (2):

Labcorp Genetics (formerly Invitae), Labcorp
Classification: Uncertain significance. Last evaluated: 2025-10-10. Review status: criteria provided, single submitter. Criteria: Invitae Variant Classification Sherloc (09022015). Collection method: clinical testing. Allele origin: germline.
Comment: This sequence change replaces arginine, which is basic and polar, with tryptophan, which is neutral and slightly polar, at codon 922 of the CACNA1E protein (p.Arg922Trp). This variant is present in population databases (rs767745136, gnomAD 0.009%). This variant has not been reported in the literature in individuals affected with CACNA1E-related conditions. ClinVar contains an entry for this variant (Variation ID: 2959911). Invitae Evidence Modeling of protein sequence and biophysical properties (such as structural, functional, and spatial information, amino acid conservation, physicochemical variation, residue mobility, and thermodynamic stability) has been performed for this missense variant. However, the output from this modeling did not meet the statistical confidence thresholds required to predict the impact of this variant on CACNA1E protein function. In summary, the available evidence is currently insufficient to determine the role of this variant in disease. Therefore, it has been classified as a Variant of Uncertain Significance.

Ambry Genetics
Classification: Likely benign for Inborn genetic diseases. Last evaluated: 2025-04-14. Review status: criteria provided, single submitter. Criteria: Ambry Variant Classification Scheme 2023. Collection method: clinical testing. Allele origin: germline.

NM_001205293.3(CACNA1E):c.2764C>T (p.Arg922Trp)

Gene: CACNA1E (calcium voltage-gated channel subunit alpha1 E; plus strand). Cytogenetic location: 1q25.3.
Variant type: single nucleotide variant.
Coding change: c.2764C>T on transcript NM_001205293.3 (MANE Select); coding-DNA position 2764, C replaced by T.
Protein change: p.Arg922Trp; replaces arginine 922 with tryptophan.
Molecular consequence: missense variant.
Genome position (GRCh38, 1-based): chr1:181,732,850, C>T. VCF-style: chr1-181732850-C-T. GRCh37 (hg19) VCF-style: chr1-181701986-C-T.
Other names: c.2764C>T (NM_001205293.1); c.2764C>T, p.Arg922Trp (NM_000721.4); c.2707C>T, p.Arg903Trp (NM_001205294.2); short protein forms R922W, R903W.
Identifiers: ClinVar variation 2959911 (VCV002959911.4), dbSNP rs767745136, ClinGen allele CA1275394.
Genomic context (GRCh38, chr1:181,732,850, plus strand): 5'-GGAGAGGCTGTGGTGACCTTTGAGGACCGGGCCAGGCACAGGCAGAGCCAACGGCGCAGC[C>T]GGCATCGCCGCGTCAGGACAGAAGGCAAGGAGTCCTCTTCAGCCTCCCGGAGCAGGTCTG-3'
Protein context (NP_001192222.1, residues 912-932): ARHRQSQRRS[Arg922Trp]HRRVRTEGKE